The following is an entry in ClinVar:

ClinVar aggregate classification (germline): Uncertain significance (1 of 4 stars; one submission).

Conditions:
Malignant hyperthermia, susceptibility to, 1 (MHS1). Also called: RYR1-Related Malignant Hyperthermia Susceptibility; Anesthesia related hyperthermia; Malignant hyperpyrexia; Fulminating hyperpyrexia; Pharmacogenic myopathy; Malignant hyperthermia suceptibility 1. Identifiers: Orphanet 423, MedGen C2930980, MONDO:0007783, OMIM 145600.

gnomAD v4.1: 6 of 1,612,996 alleles (0.00037%); highest among the groups gnomAD compares: South Asian, 0.0011%; no homozygotes.

Submission:

All of Us Research Program, National Institutes of Health
Classification: Uncertain significance for Malignant hyperthermia, susceptibility to, 1. Last evaluated: 2023-12-01. Review status: criteria provided, single submitter. Criteria: ACMG Guidelines, 2015. Collection method: clinical testing. Allele origin: germline. Inheritance: Autosomal dominant inheritance. Observed: 1 variant allele, 1 heterozygote.
Comment: This study involves interpretation of variants in research participants for the purpose of population health screening. Participant phenotype was not available at the time of variant classification. Additional details can be found in publication PMID: 35346344, PMCID: PMC8962531

NM_000540.3(RYR1):c.2551G>T (p.Val851Leu)

Gene: RYR1 (ryanodine receptor 1; plus strand). Cytogenetic location: 19q13.2.
Variant type: single nucleotide variant.
Coding change: c.2551G>T on transcript NM_000540.3 (MANE Select); coding-DNA position 2551, G replaced by T.
Protein change: p.Val851Leu; replaces valine 851 with leucine.
Molecular consequence: missense variant.
Genome position (GRCh38, 1-based): chr19:38,460,565, G>T. VCF-style: chr19-38460565-G-T. GRCh37 (hg19) VCF-style: chr19-38951205-G-T.
Other names: c.2551G>T, p.Val851Leu (NM_001042723.2); short protein forms V851L.
Identifiers: ClinVar variation 3069287 (VCV003069287.1), dbSNP rs375669412, ClinGen allele CA063430.
Genomic context (GRCh38, chr19:38,460,565, plus strand): 5'-GAGGGGCCCCGGGGGCCTCACCTGGTGGGCCCCAGTCGCTGCCTCTCACACACCGACTTC[G>T]TGCCCTGCCCTGTGGACACTGTCCAGGTACTGCCTGCCCTGCAAAGGTTTTCTGGCGAGG-3'
Protein context (NP_000531.2, residues 841-861): PSRCLSHTDF[Val851Leu]PCPVDTVQIV